The following is an entry in ClinVar:

NM_004766.3(COPB2):c.466A>C (p.Asn156His)

Gene: COPB2 (coat protein complex I subunit beta 2; minus strand). Cytogenetic location: 3q23.
Variant type: single nucleotide variant.
Coding change: c.466A>C on transcript NM_004766.3 (MANE Select); coding-DNA position 466, A replaced by C.
Protein change: p.Asn156His; replaces asparagine 156 with histidine.
Molecular consequence: missense variant. On other transcripts: non-coding transcript variant (1).
Genome position (GRCh38, 1-based): chr3:139,378,079, T>G on the plus strand (A>C on the coding strand, the complement: COPB2 is on the minus strand). VCF-style: chr3-139378079-T-G. GRCh37 (hg19) VCF-style: chr3-139096921-T-G.
Other names: c.379A>C, p.Asn127His (NM_001410834.1); short protein forms N127H, N156H.
Identifiers: ClinVar variation 3390419 (VCV003390419.2).

ClinVar aggregate classification (germline): Uncertain significance (1 of 4 stars; one submission).

Submission:

GeneDx
Classification: Uncertain significance. Last evaluated: 2025-11-20. Review status: criteria provided, single submitter. Criteria: GeneDx Variant Classification Process June 2021. Collection method: clinical testing. Allele origin: germline.
Comment: Not observed at significant frequency in large population cohorts (gnomAD); In silico analysis supports that this missense variant has a deleterious effect on protein structure/function; Has not been previously published as pathogenic or benign to our knowledge